The following is an entry in ClinVar:

NM_004370.6(COL12A1):c.3340G>A (p.Val1114Met)

Gene: COL12A1 (collagen type XII alpha 1 chain; minus strand). Cytogenetic location: 6q13.
Variant type: single nucleotide variant.
Coding change: c.3340G>A on transcript NM_004370.6 (MANE Select); coding-DNA position 3340, G replaced by A.
Protein change: p.Val1114Met; replaces valine 1114 with methionine.
Molecular consequence: missense variant. On other transcripts: intron variant (1).
Genome position (GRCh38, 1-based): chr6:75,155,765, C>T on the plus strand (G>A on the coding strand, the complement: COL12A1 is on the minus strand). VCF-style: chr6-75155765-C-T. GRCh37 (hg19) VCF-style: chr6-75865481-C-T.
Other names: c.74-3283G>A (NM_080645.3); short protein forms V1114M.
Identifiers: ClinVar variation 1057111 (VCV001057111.11), dbSNP rs2149423183, ClinGen allele CA364752625.

ClinVar aggregate classification (germline): Uncertain significance. Review status: criteria provided, multiple submitters, no conflicts (2 of 4 stars). 2 submissions from 2 submitters: Uncertain significance (2). Last evaluated 2023-07-06.

Conditions:
Ullrich congenital muscular dystrophy 2 (UCMD2). Identifiers: Orphanet 75840, MedGen C4225314, MONDO:0014654, OMIM 616470.
Bethlem myopathy 2 (BTHLM2). Identifiers: Orphanet 536516, Orphanet 610, MedGen C4225313, MONDO:0034022, OMIM 616471.

gnomAD v4.1: 8 of 1,613,740 alleles (0.0005%); highest among the groups gnomAD compares: African/African-American, 0.0013%; no homozygotes.

Submissions (2):

Blueprint Genetics
Classification: Uncertain significance. Last evaluated: 2023-07-06. Review status: criteria provided, single submitter. Criteria: ACMG Guidelines, 2015. Collection method: clinical testing. Allele origin: germline.

Labcorp Genetics (formerly Invitae), Labcorp
Classification: Uncertain significance for Bethlem myopathy 2; Ullrich congenital muscular dystrophy 2. Last evaluated: 2020-01-31. Review status: criteria provided, single submitter. Criteria: Invitae Variant Classification Sherloc (09022015). Collection method: clinical testing. Allele origin: germline.
Comment: In summary, the available evidence is currently insufficient to determine the role of this variant in disease. Therefore, it has been classified as a Variant of Uncertain Significance. Algorithms developed to predict the effect of missense changes on protein structure and function are either unavailable or do not agree on the potential impact of this missense change (SIFT: "Deleterious"; PolyPhen-2: "Probably Damaging"; Align-GVGD: "Class C0"). This variant has not been reported in the literature in individuals with COL12A1-related conditions. This variant is not present in population databases (ExAC no frequency). This sequence change replaces valine with methionine at codon 1114 of the COL12A1 protein (p.Val1114Met). The valine residue is highly conserved and there is a small physicochemical difference between valine and methionine.